The following is an entry in ClinVar:

ClinVar aggregate classification (germline): Uncertain significance. Review status: criteria provided, multiple submitters, no conflicts (2 of 4 stars). 4 submissions from 4 submitters: Uncertain significance (4). Last evaluated 2025-11-26.

Conditions:
Inborn genetic diseases. Identifiers: MedGen C0950123, MeSH D030342.
Developmental and epileptic encephalopathy, 18 (DEE18). Also called: Early infantile epileptic encephalopathy 18. Identifiers: Orphanet 369894, MedGen C3809624, MONDO:0014201, OMIM 615476.

Allele frequency attached by ClinVar (database versions not stated): gnomAD exomes below 0.00001 and 0.00001; ExAC 0.00002; TOPMed 0.00003; gnomAD 0.00004 and 0.00005.
gnomAD v4.1: 12 of 1,597,280 alleles (0.00075%); highest among the groups gnomAD compares: African/African-American, 0.013%; no homozygotes.

Submissions (4):

Ambry Genetics
Classification: Uncertain significance for Inborn genetic diseases. Last evaluated: 2025-11-26. Review status: criteria provided, single submitter. Criteria: Ambry Variant Classification Scheme 2023. Collection method: clinical testing. Allele origin: germline.
Comment: The c.2095A>T (p.S699C) alteration is located in exon 15 (coding exon 15) of the SZT2 gene. This alteration results from a A to T substitution at nucleotide position 2095, causing the serine (S) at amino acid position 699 to be replaced by a cysteine (C). Based on data from gnomAD, the T allele has an overall frequency of 0.002% (4/260178) total alleles studied. The highest observed frequency was 0.009% (2/22174) of African alleles. Based on insufficient or conflicting evidence, the clinical significance of this alteration remains unclear.

Labcorp Genetics (formerly Invitae), Labcorp
Classification: Uncertain significance. Last evaluated: 2024-12-02. Review status: criteria provided, single submitter. Criteria: Invitae Variant Classification Sherloc (09022015). Collection method: clinical testing. Allele origin: germline.
Comment: This sequence change replaces serine, which is neutral and polar, with cysteine, which is neutral and slightly polar, at codon 699 of the SZT2 protein (p.Ser699Cys). This variant is present in population databases (rs561464206, gnomAD 0.01%). This variant has not been reported in the literature in individuals affected with SZT2-related conditions. ClinVar contains an entry for this variant (Variation ID: 1315004). Invitae Evidence Modeling of protein sequence and biophysical properties (such as structural, functional, and spatial information, amino acid conservation, physicochemical variation, residue mobility, and thermodynamic stability) indicates that this missense variant is expected to disrupt SZT2 protein function with a positive predictive value of 80%. In summary, the available evidence is currently insufficient to determine the role of this variant in disease. Therefore, it has been classified as a Variant of Uncertain Significance.

Genome-Nilou Lab
Classification: Uncertain significance for Developmental and epileptic encephalopathy, 18. Last evaluated: 2023-04-11. Review status: criteria provided, single submitter. Criteria: ACMG Guidelines, 2015. Collection method: clinical testing. Allele origin: germline. Affected: no.

GeneDx
Classification: Uncertain significance. Last evaluated: 2021-04-30. Review status: criteria provided, single submitter. Criteria: GeneDx Variant Classification Process June 2021. Collection method: clinical testing. Allele origin: germline. Affected: yes.
Comment: Has not been previously published as pathogenic or benign to our knowledge; Not observed at significant frequency in large population cohorts (Lek et al., 2016); In silico analysis supports that this missense variant does not alter protein structure/function; This variant is associated with the following publications: (PMID: 27535533)

NM_001365999.1(SZT2):c.2095A>T (p.Ser699Cys)

Gene: SZT2 (SZT2 subunit of KICSTOR complex; plus strand). Cytogenetic location: 1p34.2.
Variant type: single nucleotide variant.
Coding change: c.2095A>T on transcript NM_001365999.1 (MANE Select); coding-DNA position 2095, A replaced by T.
Protein change: p.Ser699Cys; replaces serine 699 with cysteine.
Molecular consequence: missense variant.
Genome position (GRCh38, 1-based): chr1:43,423,156, A>T. VCF-style: chr1-43423156-A-T. GRCh37 (hg19) VCF-style: chr1-43888827-A-T.
Other names: c.2095A>T, p.Ser699Cys (NM_015284.4); short protein forms S699C.
Identifiers: ClinVar variation 1315004 (VCV001315004.10), dbSNP rs561464206, ClinGen allele CA808614.
Genomic context (GRCh38, chr1:43,423,156, plus strand): 5'-CAGATTGTGTCAGGCTTGAGGGAAGAGATCCTGCGGCTGCGTTTCCCCCACCGGGTACAA[A>T]GCAAGGAGCCAACGCCCAAGGTGAAACGAAAAGGGCTAGGGGGTGCTGGTGGGGGCAGCT-3'
Protein context (NP_001352928.1, residues 689-709): LRLRFPHRVQ[Ser699Cys]KEPTPKVKRK